The following is an entry in ClinVar:

ClinVar aggregate classification (germline): Likely pathogenic (1 of 4 stars; one submission).

Conditions:
Usher syndrome. Also called: Usher Syndromes; Usher's syndrome. Identifiers: Orphanet 886, MedGen CN469326, MeSH D052245, MONDO:0019501. Disease mechanism: loss of function.

Submission:

Women's Health and Genetics/Laboratory Corporation of America, LabCorp
Classification: Likely pathogenic for Retinitis pigmentosa-deafness syndrome. Last evaluated: 2023-01-11. Review status: criteria provided, single submitter. Criteria: LabCorp Variant Classification Summary - May 2015. Collection method: clinical testing. Allele origin: germline.
Comment: Variant summary: USH2A c.12211_12212delAA (p.Asn4071LeufsX27) results in a premature termination codon, predicted to cause a truncation of the encoded protein or absence of the protein due to nonsense mediated decay, which are commonly known mechanisms for disease. Truncations downstream of this position have been classified as pathogenic by our laboratory. The variant was absent in 251192 control chromosomes. To our knowledge, no occurrence of c.12211_12212delAA in individuals affected with Usher Syndrome and no experimental evidence demonstrating its impact on protein function have been reported. No clinical diagnostic laboratories have submitted clinical-significance assessments for this variant to ClinVar after 2014. Based on the evidence outlined above, the variant was classified as likely pathogenic.

NM_206933.4(USH2A):c.12211_12212del (p.Asn4071fs)

Gene: USH2A (usherin; minus strand). Cytogenetic location: 1q41.
Variant type: Deletion.
Coding change: c.12211_12212del on transcript NM_206933.4 (MANE Select); coding-DNA positions 12211 to 12212, 2 bases deleted (AA; older notation c.12211_12212delAA).
Protein change: p.Asn4071fs; shifts the reading frame from asparagine 4071.
Molecular consequence: frameshift variant.
Genome position (GRCh38, 1-based): chr1:215,680,231-215,680,232, TT deleted on the plus strand (AA on the coding strand, the reverse complement: USH2A is on the minus strand); deleting any 2 consecutive bases within chr1:215,680,231-215,680,233 gives the same sequence; the c. name uses the placement nearest the transcript's 3' end. VCF-style (leftmost placement, unchanged base first): chr1-215680230-GTT-G. GRCh37 (hg19) VCF-style: chr1-215853572-GTT-G.
Other names: short protein forms N4071fs.
Identifiers: ClinVar variation 2429323 (VCV002429323.3), dbSNP rs2464914796, ClinGen allele CA2580062353.